The following is an entry in ClinVar:

NM_020911.2(PLXNA4):c.1173C>A (p.Ile391=)

Gene: PLXNA4 (plexin A4; minus strand). Cytogenetic location: 7q32.3.
Variant type: single nucleotide variant.
Coding change: c.1173C>A on transcript NM_020911.2 (MANE Select); coding-DNA position 1173, C replaced by A.
Protein change: p.Ile391=; no amino-acid change (isoleucine 391 retained).
Molecular consequence: synonymous variant.
Genome position (GRCh38, 1-based): chr7:132,507,521, G>T on the plus strand (C>A on the coding strand, the complement: PLXNA4 is on the minus strand). VCF-style: chr7-132507521-G-T. GRCh37 (hg19) VCF-style: chr7-132192280-G-T.
Other names: c.1173C>A, p.Ile391= (NM_001105543.2, NM_001393897.1, NM_181775.4).
Identifiers: ClinVar variation 4996567 (VCV004996567.1).
Genomic context (GRCh38, chr7:132,507,521, plus strand): 5'-CCTACACTCCCAACCATCCCAGCGCGCAGCCCTCCCTGTACTCACCGCACTGCTGCAGGG[G>T]ATGTCCTTCACCTTGAGCCAGGCCAGGTCCAGCGTGCCCTCGCCCCGGTAACAAGACTGC-3'
Protein context (NP_065962.1, residues 381-401): LDLAWLKVKD[Ile391=]PCSSALLTID

ClinVar aggregate classification (germline): Likely benign (1 of 4 stars; one submission).

Conditions:
PLXNA4-related disorder. Also called: PLXNA4-related condition.

gnomAD v4.1: 2 of 1,612,004 alleles (0.00012%); highest among the groups gnomAD compares: Non-Finnish European, 0.00017%; no homozygotes.

Submission:

PreventionGenetics, part of Exact Sciences
Classification: Likely benign for PLXNA4-related condition. Last evaluated: 2025-11-04. Review status: criteria provided, single submitter. Criteria: ACMG Guidelines, 2015. Collection method: clinical testing. Allele origin: germline.
Comment: This variant is classified as likely benign based on ACMG/AMP sequence variant interpretation guidelines (Richards et al. 2015 PMID: 25741868, with internal and published modifications).